The following is an entry in ClinVar:

ClinVar aggregate classification (germline): Likely benign (0 of 4 stars; one submission).

Conditions:
PLEKHA7-related disorder. Also called: PLEKHA7-related condition.

Allele frequency attached by ClinVar (database versions not stated): gnomAD 0.00038; ExAC 0.00056; gnomAD exomes 0.00057; TOPMed 0.00077.
gnomAD v4.1: 843 of 1,478,732 alleles (0.057%); highest among the groups gnomAD compares: Non-Finnish European, 0.067%; 2 homozygotes.

Submission:

PreventionGenetics, part of Exact Sciences
Classification: Likely benign for PLEKHA7-related condition. Last evaluated: 2020-04-24. Review status: no assertion criteria provided. Collection method: clinical testing. Allele origin: germline.
Comment: This variant is classified as likely benign based on ACMG/AMP sequence variant interpretation guidelines (Richards et al. 2015 PMID: 25741868, with internal and published modifications).

NM_001329630.2(PLEKHA7):c.3630C>T (p.Arg1210=)

Gene: PLEKHA7 (pleckstrin homology domain containing A7; minus strand). Cytogenetic location: 11p15.2.
Variant type: single nucleotide variant.
Coding change: c.3630C>T on transcript NM_001329630.2 (MANE Select); coding-DNA position 3630, C replaced by T.
Protein change: p.Arg1210=; no amino-acid change (arginine 1210 retained).
Molecular consequence: synonymous variant.
Genome position (GRCh38, 1-based): chr11:16,783,720, G>A on the plus strand (C>T on the coding strand, the complement: PLEKHA7 is on the minus strand). VCF-style: chr11-16783720-G-A. GRCh37 (hg19) VCF-style: chr11-16805267-G-A.
Other names: c.3633C>T, p.Arg1211= (NM_001410960.1).
Identifiers: ClinVar variation 3047626 (VCV003047626.2), dbSNP rs61745332, ClinGen allele CA5898755.
Genomic context (GRCh38, chr11:16,783,720, plus strand): 5'-TCAGGGTGACCTGCCAACACTTGAGCAAGCGAGGGCTGACCTTGACCGGGCGAGGATGTT[G>A]CGGATCTTCTCGGCTTTGCGGTACCGCGCCTGCAGCTCCTCAAGGCTGGGTGGCTCTTCG-3'
Protein context (NP_001316559.1, residues 1200-1220): QARYRKAEKI[Arg1210=]NILARSSMCN